The following is an entry in ClinVar:

NM_013275.6(ANKRD11):c.1214G>A (p.Arg405His)

Gene: ANKRD11 (ankyrin repeat domain 11; minus strand). Cytogenetic location: 16q24.3.
Variant type: single nucleotide variant.
Coding change: c.1214G>A on transcript NM_013275.6 (MANE Select); coding-DNA position 1214, G replaced by A.
Protein change: p.Arg405His; replaces arginine 405 with histidine.
Molecular consequence: missense variant.
Genome position (GRCh38, 1-based): chr16:89,285,328, C>T on the plus strand (G>A on the coding strand, the complement: ANKRD11 is on the minus strand). VCF-style: chr16-89285328-C-T. GRCh37 (hg19) VCF-style: chr16-89351736-C-T.
Other names: c.1214G>A, p.Arg405His (NM_001256182.2, NM_001256183.2); short protein forms R405H.
Identifiers: ClinVar variation 1804917 (VCV001804917.1), dbSNP rs1261106013, ClinGen allele CA397165432.
Genomic context (GRCh38, chr16:89,285,328, plus strand): 5'-TTCTCTCCTGTCCCCACGGTGACACTCGCGTCCTCCTCGTCCGACGTGTCTGACAGGATA[C>T]GATGGGACGCTTTCTTTGGTGCAATCGTGTTATTTTTAGTGTAACTTTTAACCTCCATTT-3'
Protein context (NP_037407.4, residues 395-415): NTIAPKKASH[Arg405His]ILSDTSDEED

ClinVar aggregate classification (germline): Uncertain significance (1 of 4 stars; one submission).

Conditions:
KBG syndrome (KBGS). Also called: ANKRD11-Related KBG Syndrome. Identifiers: Orphanet 2332, MedGen C0220687, MONDO:0007846, OMIM 148050.

Allele frequency attached by ClinVar (database versions not stated): gnomAD 0.00001; TOPMed 0.00001.

Submission:

Victorian Clinical Genetics Services, Murdoch Childrens Research Institute
Classification: Uncertain significance for KBG syndrome. Last evaluated: 2021-05-06. Review status: criteria provided, single submitter. Criteria: ACMG Guidelines, 2015. Collection method: clinical testing. Allele origin: germline. Inheritance: Autosomal dominant inheritance. Affected: yes.
Comment: Based on the classification scheme VCGS_Germline_v1.3.4, this variant is classified as VUS-3B. Following criteria are met: 0102 - Loss of function is a known mechanism of disease in this gene and is associated with KBG syndrome (MIM#148050). (I) 0107 - This gene is associated with autosomal dominant disease. (I) 0115 - Variants in this gene are known to have variable expressivity. Males tend to be more severely affected than females, and intra-familial variability is reported (PMID: 29258554). (I) 0200 - Variant is predicted to result in a missense amino acid change from arginine to histidine. (I) 0251 - This variant is heterozygous. (I) 0302 - Variant is present in gnomAD (v3) <0.001 for a dominant condition (1 heterozygote, 0 homozygotes). (SP) 0309 - An alternative amino acid change at the same position, p.(Arg405Cys), has been observed in gnomAD (v2) (2 heterozygotes, 0 homozygotes). (I) 0502 - Missense variant with conflicting in silico predictions and uninformative conservation. (I) 0604 - Variant is not located in an established domain, motif, hotspot or informative constraint region. (I) 0705 - No comparable missense variants have previous evidence for pathogenicity. (I) 0807 - This variant has no previous evidence of pathogenicity. (I) 0905 - No published segregation evidence has been identified for this variant. (I) 1007 - No published functional evidence has been identified for this variant. (I) 1208 - Inheritance information for this variant is not currently available in this individual. (I) Legend: (SP) - Supporting pathogenic, (I) - Information, (SB) - Supporting benign

Literature cited by the submitters: PubMed 29258554.